The following is an entry in ClinVar:

NM_003954.5(MAP3K14):c.559G>A (p.Ala187Thr)

Gene: MAP3K14 (mitogen-activated protein kinase kinase kinase 14; minus strand). Cytogenetic location: 17q21.31.
Variant type: single nucleotide variant.
Coding change: c.559G>A on transcript NM_003954.5 (MANE Select); coding-DNA position 559, G replaced by A.
Protein change: p.Ala187Thr; replaces alanine 187 with threonine.
Molecular consequence: missense variant.
Genome position (GRCh38, 1-based): chr17:45,287,024, C>T on the plus strand (G>A on the coding strand, the complement: MAP3K14 is on the minus strand). VCF-style: chr17-45287024-C-T. GRCh37 (hg19) VCF-style: chr17-43364390-C-T.
Other names: c.559G>A, p.Ala187Thr (LRG_1222t1); short protein forms A187T.
Identifiers: ClinVar variation 639927 (VCV000639927.8), dbSNP rs558318157, ClinGen allele CA8614314.

ClinVar aggregate classification (germline): Uncertain significance (1 of 4 stars; one submission).

Conditions:
NIK deficiency. Also called: Primary immunodeficiency with multifaceted aberrant lymphoid immunity. Identifiers: Orphanet 447731, MedGen C5680065, MONDO:0018642.

Allele frequency attached by ClinVar (database versions not stated): gnomAD exomes 0.00004; ExAC 0.00005; gnomAD 0.00006 and 0.00007; TOPMed 0.00006.
gnomAD v4.1: 91 of 1,612,348 alleles (0.0056%); highest among the groups gnomAD compares: Non-Finnish European, 0.0072%; no homozygotes.

Submission:

Labcorp Genetics (formerly Invitae), Labcorp
Classification: Uncertain significance for NIK deficiency. Last evaluated: 2020-07-24. Review status: criteria provided, single submitter. Criteria: Invitae Variant Classification Sherloc (09022015). Collection method: clinical testing. Allele origin: germline.
Comment: In summary, the available evidence is currently insufficient to determine the role of this variant in disease. Therefore, it has been classified as a Variant of Uncertain Significance. Algorithms developed to predict the effect of missense changes on protein structure and function output the following: SIFT: "Tolerated"; PolyPhen-2: "Benign"; Align-GVGD: "Class C0". The threonine amino acid residue is found in multiple mammalian species, suggesting that this missense change does not adversely affect protein function. These predictions have not been confirmed by published functional studies and their clinical significance is uncertain. This variant has not been reported in the literature in individuals with MAP3K14-related disease. This variant is present in population databases (rs558318157, ExAC 0.01%). This sequence change replaces alanine¬†with threonine¬†at codon 187 of the MAP3K14 protein (p.Ala187Thr). The¬†alanine¬†residue is weakly conserved and there is a small physicochemical difference between alanine and threonine.